The following is an entry in ClinVar:

NM_030962.4(SBF2):c.4547C>G (p.Ser1516Ter)

Genes: SBF2 (SET binding factor 2; minus strand), SBF2-AS1 (SBF2 antisense RNA 1; plus strand). Cytogenetic location: 11p15.4.
Variant type: single nucleotide variant.
Coding change: c.4547C>G on transcript NM_030962.4 (MANE Select); coding-DNA position 4547, C replaced by G.
Protein change: p.Ser1516Ter; replaces serine 1516 with a stop codon.
Molecular consequence: nonsense.
Genome position (GRCh38, 1-based): chr11:9,795,854, G>C on the plus strand (C>G on the coding strand, the complement: SBF2 is on the minus strand). VCF-style: chr11-9795854-G-C. GRCh37 (hg19) VCF-style: chr11-9817401-G-C.
Other names: c.4643C>G, p.Ser1548Ter (NM_001386339.1); c.4418C>G, p.Ser1473Ter (NM_001386342.1); c.4583C>G, p.Ser1528Ter (NM_001424318.1, NM_001425070.1); c.4442C>G, p.Ser1481Ter (NM_001425069.1); short protein forms S1481*, S1516*, S1473*, S1548*, S1528*.
Identifiers: ClinVar variation 3706892 (VCV003706892.2).

ClinVar aggregate classification (germline): Pathogenic (1 of 4 stars; one submission).

Conditions:
Charcot-Marie-Tooth disease type 4. Also called: Charcot-Marie-Tooth, Type 4; Charcot-Marie-Tooth disease, type IV. Identifiers: Orphanet 64749, MedGen C4082197, MONDO:0018995.

gnomAD v4.1: 1 of 1,613,772 alleles (0.000062%); highest among the groups gnomAD compares: Non-Finnish European, 0.000085%; no homozygotes.

Submission:

Labcorp Genetics (formerly Invitae), Labcorp
Classification: Pathogenic for Charcot-Marie-Tooth disease type 4. Last evaluated: 2024-09-11. Review status: criteria provided, single submitter. Criteria: Invitae Variant Classification Sherloc (09022015). Collection method: clinical testing. Allele origin: germline.
Comment: This sequence change creates a premature translational stop signal (p.Ser1516*) in the SBF2 gene. It is expected to result in an absent or disrupted protein product. Loss-of-function variants in SBF2 are known to be pathogenic (PMID: 12687498, 25873783). This variant is not present in population databases (gnomAD no frequency). This variant has not been reported in the literature in individuals affected with SBF2-related conditions. For these reasons, this variant has been classified as Pathogenic.

Literature cited by the submitters: PubMed 12687498; PubMed 25873783.